The following is an entry in ClinVar:

NM_138713.4(NFAT5):c.1328C>T (p.Ser443Phe)

Gene: NFAT5 (nuclear factor of activated T cells 5; plus strand). Cytogenetic location: 16q22.1.
Variant type: single nucleotide variant.
Coding change: c.1328C>T on transcript NM_138713.4 (MANE Select); coding-DNA position 1328, C replaced by T.
Protein change: p.Ser443Phe; replaces serine 443 with phenylalanine.
Molecular consequence: missense variant.
Genome position (GRCh38, 1-based): chr16:69,659,858, C>T. VCF-style: chr16-69659858-C-T. GRCh37 (hg19) VCF-style: chr16-69693761-C-T.
Other names: c.1328C>T, p.Ser443Phe (NM_001113178.3); c.656C>T, p.Ser219Phe (NM_001367709.1); c.1274C>T, p.Ser425Phe (NM_006599.4); c.1046C>T, p.Ser349Phe (NM_138714.4, NM_173214.3, NM_173215.3); short protein forms S219F, S443F, S425F, S349F.
Identifiers: ClinVar variation 4713742 (VCV004713742.1).
Genomic context (GRCh38, chr16:69,659,858, plus strand): 5'-AGAAGAAAAGCACTCGTGCCAGATTGGTTTTTCGAGTTAATATCATGAGGAAAGATGGCT[C>T]CACTTTGACACTGCAAACACCCTCTTCTCCAATTTTGTGTAGTAAGTAAGAAGATACGGA-3'
Protein context (NP_619727.2, residues 433-453): FRVNIMRKDG[Ser443Phe]TLTLQTPSSP

ClinVar aggregate classification (germline): Uncertain significance (1 of 4 stars; one submission).

Conditions:
Immunodeficiency. Identifiers: MedGen C0021051, MONDO:0021094, HP:0002721.

gnomAD v4.1: 2 of 1,613,910 alleles (0.00012%); highest among the groups gnomAD compares: Non-Finnish European, 0.00017%; no homozygotes.

Submission:

Labcorp Genetics (formerly Invitae), Labcorp
Classification: Uncertain significance for Immunodeficiency. Last evaluated: 2025-02-23. Review status: criteria provided, single submitter. Criteria: Invitae Variant Classification Sherloc (09022015). Collection method: clinical testing. Allele origin: germline.
Comment: This sequence change replaces serine, which is neutral and polar, with phenylalanine, which is neutral and non-polar, at codon 349 of the NFAT5 protein (p.Ser349Phe). This variant is not present in population databases (gnomAD no frequency). This variant has not been reported in the literature in individuals affected with NFAT5-related conditions. An algorithm developed to predict the effect of missense changes on protein structure and function (PolyPhen-2) suggests that this variant is likely to be disruptive. In summary, the available evidence is currently insufficient to determine the role of this variant in disease. Therefore, it has been classified as a Variant of Uncertain Significance.